The following is an entry in ClinVar:

ClinVar aggregate classification (germline): Uncertain significance (1 of 4 stars; one submission).

Submission:

GeneDx
Classification: Uncertain significance. Last evaluated: 2018-04-23. Review status: criteria provided, single submitter. Criteria: GeneDx Variant Classification (06012015). Collection method: clinical testing. Allele origin: germline. Affected: yes.
Comment: The c.1296delT variant in the MYPN gene has not been reported previously as a pathogenic variant nor as a benign variant, to our knowledge. The c.1296delT variant causes a frameshift starting with codon Isoleucine 432, changes this amino acid to a Methionine residue, and creates a premature Stop codon at position 27 of the new reading frame, denoted p.Ile432MetfsX27. This variant is predicted to cause loss of normal protein function either through protein truncation or nonsense-mediated mRNA decay, however, loss-of-function is not a known mechanism of disease for the MYPN gene. The c.1296delT variant is not observed in large population cohorts (Lek et al., 2016). We interpret c.1296delT as a variant of uncertain significance.

NM_032578.4(MYPN):c.1296del (p.Ile432fs)

Gene: MYPN (myopalladin; plus strand). Cytogenetic location: 10q21.3.
Variant type: Deletion.
Coding change: c.1296del on transcript NM_032578.4 (MANE Select); coding-DNA position 1296, one base deleted (T; older notation c.1296delT).
Protein change: p.Ile432fs; shifts the reading frame from isoleucine 432.
Molecular consequence: frameshift variant. On other transcripts: non-coding transcript variant (2).
Genome position (GRCh38, 1-based): chr10:68,150,090, T deleted; the last of 2 consecutive T bases (chr10:68,150,089-68,150,090); deleting either gives the same sequence. VCF-style (leftmost placement, unchanged base first): chr10-68150088-AT-A. GRCh37 (hg19) VCF-style: chr10-69909845-AT-A.
Other names: c.1296del, p.Ile432fs (NM_001256267.2); c.414del, p.Ile138fs (NM_001256268.2); c.1296delT (NM_032578.3); short protein forms I432fs, I138fs.
Identifiers: ClinVar variation 524120 (VCV000524120.2), dbSNP rs1554843018, ClinGen allele CA658797432.
Genomic context (GRCh38, chr10:68,150,088, plus strand): 5'-CCCTTCTACCAGTGTCAGAGCCCCACCAATTACTTGCAGGGATTGGATGGAAAACCTATC[AT>A]TGCAGCTCCTGTGTTTACAAAGGTAATAAAAATATTACTTCTTTCTGTCATGGCTTTAAA-3'